The following is an entry in ClinVar:

NM_013432.5(TONSL):c.3611del (p.Pro1204fs)

Gene: TONSL (tonsoku like, DNA repair protein; minus strand). Cytogenetic location: 8q24.3.
Variant type: Deletion.
Coding change: c.3611del on transcript NM_013432.5 (MANE Select); coding-DNA position 3611, one base deleted (C; older notation c.3611delC).
Protein change: p.Pro1204fs; shifts the reading frame from proline 1204.
Molecular consequence: frameshift variant.
Genome position (GRCh38, 1-based): chr8:144,432,409, G deleted on the plus strand (C on the coding strand, the reverse complement: TONSL is on the minus strand); the first of 4 consecutive G bases (chr8:144,432,409-144,432,412); deleting any one gives the same sequence. VCF-style (leftmost placement, unchanged base first): chr8-144432408-AG-A. GRCh37 (hg19) VCF-style: chr8-145657791-AG-A.
Other names: short protein forms P1204fs.
Identifiers: ClinVar variation 2574446 (VCV002574446.4), dbSNP rs782628825, ClinGen allele CA4942434.

ClinVar aggregate classification (germline): Conflicting classifications of pathogenicity. Review status: criteria provided, conflicting classifications (1 of 4 stars). 2 submissions from 2 submitters: Pathogenic (1); Uncertain significance (1). Last evaluated 2025-08-18.

Submissions (2):

Labcorp Genetics (formerly Invitae), Labcorp
Classification: Pathogenic. Last evaluated: 2025-08-18. Review status: criteria provided, single submitter. Criteria: Invitae Variant Classification Sherloc (09022015). Collection method: clinical testing. Allele origin: germline.
Comment: This sequence change creates a premature translational stop signal (p.Pro1204Leufs*18) in the TONSL gene. It is expected to result in an absent or disrupted protein product. Loss-of-function variants in TONSL are known to be pathogenic (PMID: 30773277). This variant is present in population databases (rs782628825, gnomAD 0.01%). This variant has not been reported in the literature in individuals affected with TONSL-related conditions. ClinVar contains an entry for this variant (Variation ID: 2574446). For these reasons, this variant has been classified as Pathogenic.

GeneDx
Classification: Uncertain significance. Last evaluated: 2023-01-26. Review status: criteria provided, single submitter. Criteria: GeneDx Variant Classification Process June 2021. Collection method: clinical testing. Allele origin: germline. Affected: yes.
Comment: Frameshift variant predicted to result in protein truncation or nonsense mediated decay in a gene for which loss of function is a known mechanism of disease; Has not been previously published as pathogenic or benign to our knowledge

Literature cited by the submitters: PubMed 30773277 (cited by Labcorp Genetics (formerly Invitae), Labcorp).